The following is an entry in ClinVar:

ClinVar aggregate classification (germline): Pathogenic/Likely pathogenic. Review status: criteria provided, multiple submitters, no conflicts (2 of 4 stars). 7 submissions from 7 submitters: Pathogenic (4); Likely pathogenic (1). 2 of the submissions do not count toward it. Last evaluated 2026-01-12.

Conditions:
Glycine encephalopathy 1 (GCE1). Identifiers: MedGen CN376801, MONDO:0958179, OMIM 605899.
Glycine encephalopathy. Also called: Nonketotic hyperglycinemia; Non-ketotic hyperglycinemia. Identifiers: Orphanet 407, MedGen C0751748, MONDO:0011612, HP:0008288.

Allele frequency attached by ClinVar (database versions not stated): gnomAD exomes below 0.00001.
gnomAD v4.1: 9 of 1,609,298 alleles (0.00056%); highest among the groups gnomAD compares: Non-Finnish European, 0.00076%; no homozygotes.

Submissions (7):

Natera, Inc.
Classification: Pathogenic for Non-ketotic hyperglycinemia. Last evaluated: 2026-01-12. Review status: criteria provided, single submitter. Criteria: Natera Variant Classification Schema (03/2026). Collection method: clinical testing. Allele origin: germline.
Comment: The c.2203-2A>G variant in GLDC is a canonical splice acceptor site variant predicted to affect pre-mRNA splicing, which may result in an abnormal transcript and altered protein product. This variant is expected to result in nonsense mediated decay, truncation, or a dysfunctional protein product. This variant is rare in the general population with a frequency below the threshold expected for the associated phenotype(s). This variant has been observed in one or more individuals affected with the associated recessive disease, as either homozygous or compound heterozygous with a second variant (PMID: 24407464). Given the available evidence, this variant is classified as Pathogenic.

GeneDx
Classification: Pathogenic. Last evaluated: 2024-05-22. Review status: criteria provided, single submitter. Criteria: GeneDx Variant Classification Process June 2021. Collection method: clinical testing. Allele origin: germline. Affected: yes.
Comment: Canonical splice site variant predicted to result in a null allele in a gene for which loss of function is a known mechanism of disease; Not observed at significant frequency in large population cohorts (gnomAD); This variant is associated with the following publications: (PMID: 25525159, 16450403, 24407464, 12126939, 26179960)

Fulgent Genetics
Classification: Likely pathogenic for Glycine encephalopathy 1. Last evaluated: 2024-01-26. Review status: criteria provided, single submitter. Criteria: ACMG Guidelines, 2015. Collection method: clinical testing. Allele origin: germline.

Labcorp Genetics (formerly Invitae), Labcorp
Classification: Pathogenic for Glycine encephalopathy. Last evaluated: 2023-12-13. Review status: criteria provided, single submitter. Criteria: Invitae Variant Classification Sherloc (09022015). Collection method: clinical testing. Allele origin: germline.
Comment: This sequence change affects an acceptor splice site in intron 18 of the GLDC gene. It is expected to disrupt RNA splicing. Variants that disrupt the donor or acceptor splice site typically lead to a loss of protein function (PMID: 16199547), and loss-of-function variants in GLDC are known to be pathogenic (PMID: 16601880). The frequency data for this variant in the population databases is considered unreliable, as metrics indicate poor data quality at this position in the gnomAD database. Disruption of this splice site has been observed in individual(s) with non-ketotic hyperglycinemia (PMID: 26179960). In at least one individual the data is consistent with being in trans (on the opposite chromosome) from a pathogenic variant. ClinVar contains an entry for this variant (Variation ID: 56064). Algorithms developed to predict the effect of sequence changes on RNA splicing suggest that this variant may disrupt the consensus splice site. For these reasons, this variant has been classified as Pathogenic.

Revvity Omics, Revvity
Classification: Pathogenic for Glycine encephalopathy 1. Last evaluated: 2019-09-23. Review status: criteria provided, single submitter. Criteria: ACMG Guidelines, 2015. Collection method: clinical testing. Allele origin: germline.

Counsyl
Classification: Pathogenic for Glycine encephalopathy 1. Last evaluated: 2017-11-07. Review status: no assertion criteria provided. Collection method: clinical testing. Allele origin: unknown. Not counted in ClinVar's aggregate classification.

Juha Muilu Group; Institute for Molecular Medicine Finland (FIMM)
Classification: Likely pathogenic for Non-ketotic hyperglycinemia. Review status: no assertion criteria provided. Collection method: not provided. Allele origin: unknown. Not counted in ClinVar's aggregate classification.
Comment: FinDis database variant: This variant was not found or characterized by our laboratory, data were collected from public sources: see reference
ClinVar note: Converted during submission from probable-pathogenic to Likely pathogenic.

Literature cited by the submitters: PubMed 24407464 (cited by Natera, Inc. and Counsyl); PubMed 16199547 (cited by Labcorp Genetics (formerly Invitae), Labcorp); PubMed 16601880 (cited by Labcorp Genetics (formerly Invitae), Labcorp); PubMed 26179960 (cited by Labcorp Genetics (formerly Invitae), Labcorp and Counsyl).

NM_000170.3(GLDC):c.2203-2A>G

Gene: GLDC (glycine decarboxylase; minus strand). Cytogenetic location: 9p24.1.
Variant type: single nucleotide variant.
Coding change: c.2203-2A>G on transcript NM_000170.3 (MANE Select); the canonical splice acceptor site of the intron before coding-DNA position 2203, A replaced by G.
Molecular consequence: splice acceptor variant.
Genome position (GRCh38, 1-based): chr9:6,554,783, T>C on the plus strand (A>G on the coding strand, the complement: GLDC is on the minus strand). VCF-style: chr9-6554783-T-C. GRCh37 (hg19) VCF-style: chr9-6554783-T-C.
Identifiers: ClinVar variation 56064 (VCV000056064.19), dbSNP rs386833545, ClinGen allele CA263345.
Genomic context (GRCh38, chr9:6,554,783, plus strand): 5'-TTGTGAAGATTTAGGTGCGAGACATCAGACCCGAAGTCTCCAGGGCGACAGATTCCCACC[T>C]ACCACAAAGGCAAGGGCCAAAAGCAAAAGTCAAGAGCTTGGAAGCACCCTCCAGTGTGAA-3'